The following is an entry in ClinVar:

ClinVar aggregate classification (germline): Conflicting classifications of pathogenicity. Review status: criteria provided, conflicting classifications (1 of 4 stars). 8 submissions from 8 submitters: Uncertain significance (6); Benign (1). 1 of the submissions does not count toward it. Last evaluated 2025-12-22.

Conditions:
Mismatch repair cancer syndrome 3. Identifiers: MedGen C5436807, MONDO:0030841, OMIM 619097.
Endometrial carcinoma. Also called: Endometrial carcinoma, somatic. Identifiers: MedGen C0476089, MONDO:0002447, OMIM 608089, HP:0012114.
Lynch syndrome 5 (LYNCH5). Also called: Hereditary non-polyposis colorectal cancer, type 5; Colorectal cancer, hereditary nonpolyposis, type 5. Identifiers: Orphanet 144, MedGen C1833477, MONDO:0013710, OMIM 614350. Disease mechanism: loss of function.
Hereditary nonpolyposis colorectal neoplasms. Identifiers: MedGen C0009405, MeSH D003123.
Hereditary cancer-predisposing syndrome. Also called: Hereditary neoplastic syndrome; Neoplastic Syndromes, Hereditary; Tumor predisposition; Hereditary Cancer Syndrome. Identifiers: Orphanet 140162, MedGen C0027672, MeSH D009386, MONDO:0015356.

Allele frequency attached by ClinVar (database versions not stated): TOPMed below 0.00001.
gnomAD v4.1: 47 of 1,614,208 alleles (0.0029%); highest among the groups gnomAD compares: Non-Finnish European, 0.0038%; no homozygotes.

Submissions (8):

Labcorp Genetics (formerly Invitae), Labcorp
Classification: Benign for Hereditary nonpolyposis colorectal neoplasms. Last evaluated: 2025-12-22. Review status: criteria provided, single submitter. Criteria: Invitae Variant Classification Sherloc (09022015). Collection method: clinical testing. Allele origin: germline.

Ambry Genetics
Classification: Uncertain significance for Hereditary cancer-predisposing syndrome. Last evaluated: 2025-09-24. Review status: criteria provided, single submitter. Criteria: Ambry Variant Classification Scheme 2023. Collection method: clinical testing. Allele origin: germline.
Comment: The p.H588R variant (also known as c.1763A>G), located in coding exon 4 of the MSH6 gene, results from an A to G substitution at nucleotide position 1763. The histidine at codon 588 is replaced by arginine, an amino acid with highly similar properties. This amino acid position is highly conserved in available vertebrate species. In addition, this alteration is predicted to be deleterious by in silico analysis. Based on the available evidence, the clinical significance of this variant remains unclear.

Color Diagnostics, LLC DBA Color Health
Classification: Uncertain significance for Hereditary cancer-predisposing syndrome. Last evaluated: 2024-03-06. Review status: criteria provided, single submitter. Criteria: ACMG Guidelines, 2015. Collection method: clinical testing. Allele origin: germline.
Comment: This missense variant replaces histidine with arginine at codon 588 of the MSH6 protein. Computational prediction suggests that this variant may have deleterious impact on protein structure and function (internally defined REVEL score threshold >= 0.7, PMID: 27666373). To our knowledge, functional studies have not been reported for this variant. This variant has not been reported in individuals affected with hereditary cancer in the literature. This variant has not been identified in the general population by the Genome Aggregation Database (gnomAD). The available evidence is insufficient to determine the role of this variant in disease conclusively. Therefore, this variant is classified as a Variant of Uncertain Significance.

GeneDx
Classification: Uncertain significance. Last evaluated: 2023-09-12. Review status: criteria provided, single submitter. Criteria: GeneDx Variant Classification Process June 2021. Collection method: clinical testing. Allele origin: germline. Affected: yes.
Comment: Not observed at significant frequency in large population cohorts (gnomAD); In silico analysis supports that this missense variant has a deleterious effect on protein structure/function; Has not been previously published as pathogenic or benign to our knowledge; This variant is associated with the following publications: (PMID: 17531815, 21120944)

Baylor Genetics
Classification: Uncertain significance for Endometrial carcinoma. Last evaluated: 2023-06-07. Review status: criteria provided, single submitter. Criteria: ACMG Guidelines, 2015. Collection method: clinical testing. Allele origin: unknown.

Myriad Genetics, Inc.
Classification: Uncertain significance for Lynch syndrome 5. Last evaluated: 2023-03-28. Review status: criteria provided, single submitter. Criteria: Myriad Autosomal Dominant, Autosomal Recessive and X-Linked Classification Criteria (2023). Collection method: clinical testing. Allele origin: unknown.
Comment: This variant is classified as a variant of uncertain significance as there is insufficient evidence to determine its impact on protein function and/or cancer risk.

Department of Pathology and Laboratory Medicine, Sinai Health System
Classification: Uncertain significance for Endometrial carcinoma; Lynch syndrome 5; Mismatch repair cancer syndrome 3. Last evaluated: 2020-03-13. Review status: criteria provided, single submitter. Criteria: ACMG Guidelines, 2015. Collection method: clinical testing. Allele origin: germline. Affected: yes.

Counsyl
Classification: Uncertain significance for Lynch syndrome 5. Last evaluated: 2017-06-23. Review status: no assertion criteria provided. Collection method: clinical testing. Allele origin: unknown. Not counted in ClinVar's aggregate classification.

NM_000179.3(MSH6):c.1763A>G (p.His588Arg)

Gene: MSH6 (mutS homolog 6; plus strand). Cytogenetic location: 2p16.3.
Variant type: single nucleotide variant.
Coding change: c.1763A>G on transcript NM_000179.3 (MANE Select); coding-DNA position 1763, A replaced by G.
Protein change: p.His588Arg; replaces histidine 588 with arginine.
Molecular consequence: missense variant.
Genome position (GRCh38, 1-based): chr2:47,799,746, A>G. VCF-style: chr2-47799746-A-G. GRCh37 (hg19) VCF-style: chr2-48026885-A-G.
Other names: c.1373A>G, p.His458Arg (NM_001281492.2); c.857A>G, p.His286Arg (NM_001281493.2, NM_001281494.2); short protein forms H588R, H286R, H458R.
Identifiers: ClinVar variation 186142 (VCV000186142.30), dbSNP rs786202725, ClinGen allele CA009144.